The following is an entry in ClinVar:

ClinVar aggregate classification (germline): Uncertain significance (1 of 4 stars; one submission).

gnomAD v4.1: 5 of 1,611,120 alleles (0.00031%); highest among the groups gnomAD compares: Middle Eastern, 0.05%; no homozygotes.

Submission:

GeneDx
Classification: Uncertain significance. Last evaluated: 2018-02-12. Review status: criteria provided, single submitter. Criteria: GeneDx Variant Classification (06012015). Collection method: clinical testing. Allele origin: germline. Affected: yes.
Comment: The A1430T variant in the COL5A1 gene has not been reported previously as a pathogenic variant, nor as a benign variant, to our knowledge. This variant is not observed in large population cohorts (Lek et al., 2016). The A1430T variant is a non-conservative amino acid substitution, which occurs at a non-Glycine residue within the collagen triple-helical region containing Gly-X-Y repeats. Substitutions of Glycine residues in these Gly-X-Y motifs within the triple helical regions of the COL5A1 protein represent the vast majority of pathogenic missense variants in the COL5A1 gene associated with Ehlers-Danlos syndrome (Stenson et al., 2014). In-silico analyses, including protein predictors and evolutionary conservation, support that this variant does not alter protein structure/function. We interpret A1430T as a variant of uncertain significance.

NM_000093.5(COL5A1):c.4288G>A (p.Ala1430Thr)

Gene: COL5A1 (collagen type V alpha 1 chain; plus strand). Cytogenetic location: 9q34.3.
Variant type: single nucleotide variant.
Coding change: c.4288G>A on transcript NM_000093.5 (MANE Select); coding-DNA position 4288, G replaced by A.
Protein change: p.Ala1430Thr; replaces alanine 1430 with threonine.
Molecular consequence: missense variant.
Genome position (GRCh38, 1-based): chr9:134,818,713, G>A. VCF-style: chr9-134818713-G-A. GRCh37 (hg19) VCF-style: chr9-137710559-G-A.
Other names: p.A1430T:GCC>ACC; c.4288G>A, p.Ala1430Thr (NM_001278074.1); short protein forms A1430T.
Identifiers: ClinVar variation 212976 (VCV000212976.2), dbSNP rs863223455, ClinGen allele CA321070.